The following is an entry in ClinVar:

NM_002449.5(MSX2):c.699G>A (p.Ala233=)

Gene: MSX2 (msh homeobox 2; plus strand). Cytogenetic location: 5q35.2.
Variant type: single nucleotide variant.
Coding change: c.699G>A on transcript NM_002449.5 (MANE Select); coding-DNA position 699, G replaced by A.
Protein change: p.Ala233=; no amino-acid change (alanine 233 retained).
Molecular consequence: synonymous variant. On other transcripts: 3 prime UTR variant (1).
Genome position (GRCh38, 1-based): chr5:174,729,478, G>A. VCF-style: chr5-174729478-G-A. GRCh37 (hg19) VCF-style: chr5-174156481-G-A.
Other names: c.*323G>A (NM_001363626.2).
Identifiers: ClinVar variation 352838 (VCV000352838.15), dbSNP rs201880865, ClinGen allele CA3565248.

ClinVar aggregate classification (germline): Benign. Review status: criteria provided, multiple submitters, no conflicts (2 of 4 stars). 5 submissions from 4 submitters: Benign (4). 1 of the submissions does not count toward it. Last evaluated 2025-10-08.

Conditions:
MSX2-related disorder. Also called: MSX2-related condition.
Cranium bifidum occultum. Also called: CATLIN MARKS; Enlarged Parietal Foramina; CRANIUM BIFIDUM, HEREDITARY. Identifiers: MedGen C1868598, HP:0004423.
Craniosynostosis 2 (CRS2). Also called: Warman-Mulliken-Hayward syndrome; Craniosynostosis Warman type; Craniosynostosis Boston type. Identifiers: Orphanet 1541, MedGen C1858160, MONDO:0011481, OMIM 604757.
Parietal foramina 1 (PFM1). Also called: FORAMINA PARIETALIA PERMAGNA; PARIETAL FORAMINA, SYMMETRIC. Identifiers: Orphanet 60015, MedGen C1868599, MONDO:0008197, OMIM 168500.

Allele frequency attached by ClinVar (database versions not stated): gnomAD 0.00008 and 0.00014; gnomAD exomes 0.00012 and 0.00049; TOPMed 0.00017; ExAC 0.00051; 1000 Genomes Project 30x 0.00109; 1000 Genomes Project 0.00140.

Submissions (5):

Labcorp Genetics (formerly Invitae), Labcorp
Classification: Benign for Cranium bifidum occultum. Last evaluated: 2025-10-08. Review status: criteria provided, single submitter. Criteria: Invitae Variant Classification Sherloc (09022015). Collection method: clinical testing. Allele origin: germline.

Blueprint Genetics
Classification: Benign. Last evaluated: 2024-10-24. Review status: criteria provided, single submitter. Criteria: ACMG Guidelines, 2015. Collection method: clinical testing. Allele origin: germline.

Illumina Laboratory Services, Illumina
Classification: Benign for Craniosynostosis 2. Last evaluated: 2018-01-12. Review status: criteria provided, single submitter. Criteria: ICSL Variant Classification Criteria 13 December 2019. Collection method: clinical testing. Allele origin: germline.
Comment: This variant was observed in the ICSL laboratory as part of a predisposition screen in an ostensibly healthy population. It had not been previously curated by ICSL or reported in the Human Gene Mutation Database (HGMD: prior to June 1st, 2018), and was therefore a candidate for classification through an automated scoring system. Utilizing variant allele frequency, disease prevalence and penetrance estimates, and inheritance mode, an automated score was calculated to assess if this variant is too frequent to cause the disease. Based on the score and internal cut-off values, a variant classified as benign is not then subjected to further curation. The score for this variant resulted in a classification of benign for this disease.

Illumina Laboratory Services, Illumina
Classification: Benign for Parietal foramina 1. Last evaluated: 2018-01-12. Review status: criteria provided, single submitter. Criteria: ICSL Variant Classification Criteria 13 December 2019. Collection method: clinical testing. Allele origin: germline.
Comment: the same text as in the submission from Illumina Laboratory Services, Illumina above.

PreventionGenetics, part of Exact Sciences
Classification: Benign for MSX2-related condition. Last evaluated: 2024-05-16. Review status: no assertion criteria provided. Collection method: clinical testing. Allele origin: germline. Not counted in ClinVar's aggregate classification.
Comment: This variant is classified as benign based on ACMG/AMP sequence variant interpretation guidelines (Richards et al. 2015 PMID: 25741868, with internal and published modifications).